The following is an entry in ClinVar:

ClinVar aggregate classification (germline): Uncertain significance. Review status: criteria provided, multiple submitters, no conflicts (2 of 4 stars). 2 submissions from 2 submitters: Uncertain significance (2). Last evaluated 2026-07-02.

Conditions:
Inborn genetic diseases. Identifiers: MedGen C0950123, MeSH D030342.

Allele frequency attached by ClinVar (database versions not stated): gnomAD exomes below 0.00001; TOPMed 0.00002.
gnomAD v4.1: 1 of 1,613,914 alleles (0.000062%); highest among the groups gnomAD compares: Admixed American, 0.0017%; no homozygotes.

Submissions (2):

Ambry Genetics
Classification: Uncertain significance for Inborn genetic diseases. Last evaluated: 2026-07-02. Review status: criteria provided, single submitter. Criteria: Ambry Variant Classification Scheme 2023. Collection method: clinical testing. Allele origin: germline.

Labcorp Genetics (formerly Invitae), Labcorp
Classification: Uncertain significance. Last evaluated: 2022-11-01. Review status: criteria provided, single submitter. Criteria: Invitae Variant Classification Sherloc (09022015). Collection method: clinical testing. Allele origin: germline.
Comment: This sequence change replaces lysine, which is basic and polar, with threonine, which is neutral and polar, at codon 5414 of the ADGRV1 protein (p.Lys5414Thr). This variant is present in population databases (no rsID available, gnomAD 0.003%). This variant has not been reported in the literature in individuals affected with ADGRV1-related conditions. Advanced modeling of protein sequence and biophysical properties (such as structural, functional, and spatial information, amino acid conservation, physicochemical variation, residue mobility, and thermodynamic stability) performed at Invitae indicates that this missense variant is not expected to disrupt ADGRV1 protein function. In summary, the available evidence is currently insufficient to determine the role of this variant in disease. Therefore, it has been classified as a Variant of Uncertain Significance.

NM_032119.4(ADGRV1):c.16241A>C (p.Lys5414Thr)

Gene: ADGRV1 (adhesion G protein-coupled receptor V1; plus strand). Cytogenetic location: 5q14.3.
Variant type: single nucleotide variant.
Coding change: c.16241A>C on transcript NM_032119.4 (MANE Select); coding-DNA position 16241, A replaced by C.
Protein change: p.Lys5414Thr; replaces lysine 5414 with threonine.
Molecular consequence: missense variant. On other transcripts: non-coding transcript variant (1).
Genome position (GRCh38, 1-based): chr5:90,823,469, A>C. VCF-style: chr5-90823469-A-C. GRCh37 (hg19) VCF-style: chr5-90119286-A-C.
Other names: c.16241A>C (NM_032119.3); short protein forms K5414T.
Identifiers: ClinVar variation 1934195 (VCV001934195.3), dbSNP rs1031591429, ClinGen allele CA122804073.
Genomic context (GRCh38, chr5:90,823,469, plus strand): 5'-GGTTTCTTGCTCACAGGGCCTTTGAAGATGTCAAGGTCTTTTGGCGAGTCACACTTAACA[A>C]AACAGTCGTCGTGCTCCAGAAGGATGGGGTAAACCTGGTGGAGGAACTTCAGTCTGTGTC-3'
Protein context (NP_115495.3, residues 5404-5424): VKVFWRVTLN[Lys5414Thr]TVVVLQKDGV